The following is an entry in ClinVar:

ClinVar aggregate classification (germline): Uncertain significance (1 of 4 stars; one submission).

Conditions:
RYR1-related disorder. Also called: RYR1-related disorders; RYR1-related condition. Identifiers: MedGen CN239331.

Allele frequency attached by ClinVar (database versions not stated): gnomAD exomes below 0.00001; TOPMed below 0.00001.
gnomAD v4.1: 6 of 1,613,634 alleles (0.00037%); highest among the groups gnomAD compares: South Asian, 0.0011%; no homozygotes.

Submission:

Labcorp Genetics (formerly Invitae), Labcorp
Classification: Uncertain significance for RYR1-related disorder. Last evaluated: 2021-09-01. Review status: criteria provided, single submitter. Criteria: Invitae Variant Classification Sherloc (09022015). Collection method: clinical testing. Allele origin: germline.
Comment: This sequence change falls in intron 25 of the RYR1 gene. It does not directly change the encoded amino acid sequence of the RYR1 protein. It affects a nucleotide within the consensus splice site of the intron. This variant is not present in population databases (ExAC no frequency). This variant has not been reported in the literature in individuals affected with RYR1-related conditions. Variants that disrupt the consensus splice site are a relatively common cause of aberrant splicing (PMID: 17576681, 9536098). Algorithms developed to predict the effect of sequence changes on RNA splicing suggest that this variant may create or strengthen a splice site. In summary, the available evidence is currently insufficient to determine the role of this variant in disease. Therefore, it has been classified as a Variant of Uncertain Significance.

Literature cited by the submitters: PubMed 17576681; PubMed 9536098.

NM_000540.3(RYR1):c.3381+4G>A

Gene: RYR1 (ryanodine receptor 1; plus strand). Cytogenetic location: 19q13.2.
Variant type: single nucleotide variant.
Coding change: c.3381+4G>A on transcript NM_000540.3 (MANE Select); 4 bases into the intron after coding-DNA position 3381, G replaced by A.
Molecular consequence: intron variant.
Genome position (GRCh38, 1-based): chr19:38,467,816, G>A. VCF-style: chr19-38467816-G-A. GRCh37 (hg19) VCF-style: chr19-38958456-G-A.
Other names: c.3381+4G>A (NM_001042723.2).
Identifiers: ClinVar variation 957723 (VCV000957723.7), dbSNP rs1163970502, ClinGen allele CA633066494.
Genomic context (GRCh38, chr19:38,467,816, plus strand): 5'-AGGCCTGATGTAGAGCTGGGAGCTGACGAGCTGGCCTATGTCTTCAATGGGCACCGCGTG[G>A]GTACCTCCCTGGGCACCATTCTGCCAGGTCCTGTGGTCTCTCCCACAGCTTGTCTACTCT-3'